The following is an entry in ClinVar:

ClinVar aggregate classification (germline): Likely pathogenic (1 of 4 stars; one submission).

Conditions:
Hypertrophic cardiomyopathy. Also called: HYPERTROPHIC MYOCARDIOPATHY. Identifiers: Orphanet 217569, MedGen C0007194, MeSH D002312, MONDO:0005045, HP:0001639.

Submission:

Labcorp Genetics (formerly Invitae), Labcorp
Classification: Likely pathogenic for Hypertrophic cardiomyopathy. Last evaluated: 2020-04-08. Review status: criteria provided, single submitter. Criteria: Invitae Variant Classification Sherloc (09022015). Collection method: clinical testing. Allele origin: germline.
Comment: This sequence change replaces serine with alanine at codon 206 of the TPM1 protein (p.Ser206Ala). The serine residue is moderately conserved and there is a moderate physicochemical difference between serine and alanine. In summary, the currently available evidence indicates that the variant is pathogenic, but additional data are needed to prove that conclusively. Therefore, this variant has been classified as Likely Pathogenic. Algorithms developed to predict the effect of missense changes on protein structure and function (SIFT, PolyPhen-2, Align-GVGD) all suggest that this variant is likely to be tolerated, but these predictions have not been confirmed by published functional studies and their clinical significance is uncertain. This variant has been observed in individual(s) with clinical features of TPM1-related cardiomyopathy (Invitae). In at least one individual the variant was observed to be de novo. This variant is not present in population databases (ExAC no frequency).

NM_001018005.2(TPM1):c.616T>G (p.Ser206Ala)

Gene: TPM1 (tropomyosin 1; plus strand). Cytogenetic location: 15q22.2.
Variant type: single nucleotide variant.
Coding change: c.616T>G on transcript NM_001018005.2 (MANE Select); coding-DNA position 616, T replaced by G.
Protein change: p.Ser206Ala; replaces serine 206 with alanine.
Molecular consequence: missense variant. On other transcripts: intron variant (6).
Genome position (GRCh38, 1-based): chr15:63,061,765, T>G. VCF-style: chr15-63061765-T-G. GRCh37 (hg19) VCF-style: chr15-63353964-T-G.
Other names: c.616T>G, p.Ser206Ala (NM_001018004.2, NM_001018007.2, NM_001301244.2 and 3 more transcripts); c.508T>G, p.Ser170Ala (NM_001018008.2, NM_001301289.2, NM_001330346.2 and 2 more transcripts); c.742T>G, p.Ser248Ala (NM_001365778.1); c.640-450T>G (NM_001018020.2, NM_001018006.2, NM_000366.6); c.532-450T>G (NM_001330351.2, NM_001330344.2, NM_001365781.2); short protein forms S170A, S206A, S248A.
Identifiers: ClinVar variation 962919 (VCV000962919.9), dbSNP rs2035667597, ClinGen allele CA392724265.